The following is an entry in ClinVar:

ClinVar aggregate classification (germline): Uncertain significance (1 of 4 stars; one submission).

Conditions:
Hereditary cancer-predisposing syndrome. Also called: Neoplastic Syndromes, Hereditary; Tumor predisposition; Hereditary neoplastic syndrome; Hereditary Cancer Syndrome. Identifiers: Orphanet 140162, MedGen C0027672, MeSH D009386, MONDO:0015356.

Allele frequency attached by ClinVar (database versions not stated): gnomAD exomes below 0.00001.
gnomAD v4.1: 1 of 1,613,144 alleles (0.000062%); highest among the groups gnomAD compares: Non-Finnish European, 0.000085%; no homozygotes.

Submission:

Ambry Genetics
Classification: Uncertain significance for Hereditary cancer-predisposing syndrome. Last evaluated: 2023-03-14. Review status: criteria provided, single submitter. Criteria: Ambry Variant Classification Scheme 2023. Collection method: clinical testing. Allele origin: germline.
Comment: The p.K738R variant (also known as c.2213A>G), located in coding exon 15 of the MSH3 gene, results from an A to G substitution at nucleotide position 2213. The lysine at codon 738 is replaced by arginine, an amino acid with highly similar properties. This amino acid position is conserved. In addition, this alteration is predicted to be tolerated by in silico analysis. Since supporting evidence is limited at this time, the clinical significance of this alteration remains unclear.

NM_002439.5(MSH3):c.2213A>G (p.Lys738Arg)

Gene: MSH3 (mutS homolog 3; plus strand). Cytogenetic location: 5q14.1.
Variant type: single nucleotide variant.
Coding change: c.2213A>G on transcript NM_002439.5 (MANE Select); coding-DNA position 2213, A replaced by G.
Protein change: p.Lys738Arg; replaces lysine 738 with arginine.
Molecular consequence: missense variant.
Genome position (GRCh38, 1-based): chr5:80,768,963, A>G. VCF-style: chr5-80768963-A-G. GRCh37 (hg19) VCF-style: chr5-80064782-A-G.
Other names: short protein forms K738R.
Identifiers: ClinVar variation 2451092 (VCV002451092.2), dbSNP rs2546774301, ClinGen allele CA360279662.
Genomic context (GRCh38, chr5:80,768,963, plus strand): 5'-AAATTCAAGGTGTTATTGACGAGATCCGAATGCATTTGCAAGAAATACGAAAAATACTAA[A>G]AAATCCTTCTGCACAATATGTGACAGTATCAGGACAGGAGGTAATGTCAAGCTTACTTTT-3'
Protein context (NP_002430.3, residues 728-748): MHLQEIRKIL[Lys738Arg]NPSAQYVTVS